The following is an entry in ClinVar:

ClinVar aggregate classification (germline): Uncertain significance. Review status: criteria provided, multiple submitters, no conflicts (2 of 4 stars). 3 submissions from 3 submitters: Uncertain significance (3). Last evaluated 2023-12-12.

Conditions:
Walker-Warburg congenital muscular dystrophy. Also called: Muscular dystrophy-dystroglycanopathy, type A; Walker-Warburg syndrome. Identifiers: Orphanet 899, MedGen C0265221, MONDO:0000171.
Muscular dystrophy-dystroglycanopathy (congenital with impaired intellectual development), type B, 1. Also called: Muscular dystrophy-dystroglycanopathy (congenital with intellectual disability), type B1; MUSCULAR DYSTROPHY, CONGENITAL, POMT1-RELATED. Identifiers: MedGen C5436962, MONDO:0013159, OMIM 613155.
Autosomal recessive limb-girdle muscular dystrophy type 2K. Also called: MUSCULAR DYSTROPHY-DYSTROGLYCANOPATHY (LIMB-GIRDLE), TYPE C, 1; MUSCULAR DYSTROPHY, LIMB-GIRDLE, TYPE 2K. Identifiers: Orphanet 86812, MedGen C1836373, MONDO:0012248, OMIM 609308.
Inborn genetic diseases. Identifiers: MedGen C0950123, MeSH D030342.

Allele frequency attached by ClinVar (database versions not stated): ExAC 0.00014; TOPMed 0.00007; gnomAD exomes 0.00012; 1000 Genomes Project 0.00040; gnomAD 0.00013; ESP Exome Variant Server 0.00008; 1000 Genomes Project 30x 0.00047.
gnomAD v4.1: 95 of 1,614,106 alleles (0.0059%); highest among the groups gnomAD compares: East Asian, 0.036%; no homozygotes.

Submissions (5):

Ambry Genetics
Classification: Uncertain significance for Inborn genetic diseases. Last evaluated: 2023-12-12. Review status: criteria provided, single submitter. Criteria: Ambry Variant Classification Scheme 2023. Collection method: clinical testing. Allele origin: germline.

Labcorp Genetics (formerly Invitae), Labcorp
Classification: Uncertain significance for Muscular dystrophy-dystroglycanopathy (congenital with impaired intellectual development), type B, 1; Walker-Warburg congenital muscular dystrophy; Autosomal recessive limb-girdle muscular dystrophy type 2K. Last evaluated: 2022-06-10. Review status: criteria provided, single submitter. Criteria: Invitae Variant Classification Sherloc (09022015). Collection method: clinical testing. Allele origin: germline.
Comment: This sequence change replaces asparagine, which is neutral and polar, with serine, which is neutral and polar, at codon 233 of the POMT1 protein (p.Asn233Ser). This variant is present in population databases (rs139774354, gnomAD 0.04%). This variant has not been reported in the literature in individuals affected with POMT1-related conditions. ClinVar contains an entry for this variant (Variation ID: 288930). Algorithms developed to predict the effect of missense changes on protein structure and function output the following: SIFT: "Tolerated"; PolyPhen-2: "Benign"; Align-GVGD: "Class C0". The serine amino acid residue is found in multiple mammalian species, which suggests that this missense change does not adversely affect protein function. In summary, the available evidence is currently insufficient to determine the role of this variant in disease. Therefore, it has been classified as a Variant of Uncertain Significance.

Eurofins Ntd Llc (ga)
Classification: Uncertain significance. Last evaluated: 2016-06-23. Review status: criteria provided, single submitter. Criteria: EGL Classification Definitions 2015. Collection method: clinical testing. Allele origin: germline. Observed: 1 variant allele, 1 heterozygote.

Dr. Peter K. Rogan Lab, Western University
No classification provided (evidence only). Condition: Melanoma. Review status: no classification provided. Collection method: in vitro. Allele origin: not applicable. Functional consequence: retained intron. Not counted in ClinVar's aggregate classification.

Dr. Peter K. Rogan Lab, Western University
No classification provided (evidence only). Condition: Colon adenocarcinoma. Review status: no classification provided. Collection method: in vitro. Allele origin: not applicable. Functional consequence: retained intron. Not counted in ClinVar's aggregate classification.

NM_001077365.2(POMT1):c.698A>G (p.Asn233Ser)

Gene: POMT1 (protein O-mannosyltransferase 1; plus strand). Cytogenetic location: 9q34.13.
Variant type: single nucleotide variant.
Coding change: c.698A>G on transcript NM_001077365.2 (MANE Select); coding-DNA position 698, A replaced by G.
Protein change: p.Asn233Ser; replaces asparagine 233 with serine.
Molecular consequence: missense variant. On other transcripts: non-coding transcript variant (10).
Genome position (GRCh38, 1-based): chr9:131,509,995, A>G. VCF-style: chr9-131509995-A-G. GRCh37 (hg19) VCF-style: chr9-134385382-A-G.
Other names: c.536A>G, p.Asn179Ser (NM_001077366.2, NM_001353194.2, NM_001353197.2 and 3 more transcripts); c.698A>G, p.Asn233Ser (NM_001136113.2, NM_001353193.2, NM_001374690.1 and 1 more transcripts); c.347A>G, p.Asn116Ser (NM_001136114.2, NM_001353195.2, NM_001353199.2 and 2 more transcripts); c.608A>G, p.Asn203Ser (NM_001353196.2); c.242A>G, p.Asn81Ser (NM_001353200.2, NM_001374695.1); short protein forms N233S, N81S, N116S, N203S, N179S.
Identifiers: ClinVar variation 288930 (VCV000288930.13), dbSNP rs139774354, ClinGen allele CA5293374.
Genomic context (GRCh38, chr9:131,509,995, plus strand): 5'-TCGTGCTGGGTGTTGCAGCTGTCCATGCCTGGCACCTGCTTGGAGACCAGACTTTGTCCA[A>G]TGTAGGTGCTGATGTCCAGTGCTGCATGAGGCCGGCCTGTATGGGGCAGATGCAGATGTC-3'
Protein context (NP_001070833.1, residues 223-243): WHLLGDQTLS[Asn233Ser]VCVFCHLLAR